The following is an entry in ClinVar:

NM_016216.4(DBR1):c.902G>A (p.Arg301His)

Gene: DBR1 (debranching RNA lariats 1; minus strand). Cytogenetic location: 3q22.3.
Variant type: single nucleotide variant.
Coding change: c.902G>A on transcript NM_016216.4 (MANE Select); coding-DNA position 902, G replaced by A.
Protein change: p.Arg301His; replaces arginine 301 with histidine.
Molecular consequence: missense variant.
Genome position (GRCh38, 1-based): chr3:138,163,388, C>T on the plus strand (G>A on the coding strand, the complement: DBR1 is on the minus strand). VCF-style: chr3-138163388-C-T. GRCh37 (hg19) VCF-style: chr3-137882230-C-T.
Other names: short protein forms R301H.
Identifiers: ClinVar variation 2182282 (VCV002182282.1), dbSNP rs778482901, ClinGen allele CA2635759.
Genomic context (GRCh38, chr3:138,163,388, plus strand): 5'-CCTAAATAAAGTCTGACTTACCTTGCATGCAGGCCATTATTTTCTGGCATATTCCACAGG[C>T]GCCCAGTCACATTAATAAGATCATCCGTAGCCCTGAGAATAGTGAGCCATTCAATATCAT-3'
Protein context (NP_057300.2, residues 291-311): ATDDLINVTG[Arg301His]LWNMPENNGL

ClinVar aggregate classification (germline): Uncertain significance (1 of 4 stars; one submission).

Allele frequency attached by ClinVar (database versions not stated): gnomAD 0.00001; ExAC 0.00002; TOPMed 0.00002.
gnomAD v4.1: 19 of 1,613,548 alleles (0.0012%); highest among the groups gnomAD compares: East Asian, 0.0067%; no homozygotes.

Submission:

Labcorp Genetics (formerly Invitae), Labcorp
Classification: Uncertain significance. Last evaluated: 2022-08-15. Review status: criteria provided, single submitter. Criteria: Invitae Variant Classification Sherloc (09022015). Collection method: clinical testing. Allele origin: germline.
Comment: This sequence change replaces arginine, which is basic and polar, with histidine, which is basic and polar, at codon 301 of the DBR1 protein (p.Arg301His). This variant is present in population databases (rs778482901, gnomAD 0.01%). This variant has not been reported in the literature in individuals affected with DBR1-related conditions. Algorithms developed to predict the effect of missense changes on protein structure and function output the following: SIFT: "Tolerated"; PolyPhen-2: "Benign"; Align-GVGD: "Class C0". The histidine amino acid residue is found in multiple mammalian species, which suggests that this missense change does not adversely affect protein function. In summary, the available evidence is currently insufficient to determine the role of this variant in disease. Therefore, it has been classified as a Variant of Uncertain Significance.